The following is an entry in ClinVar:

NM_017780.4(CHD7):c.216T>A (p.Tyr72Ter)

Gene: CHD7 (chromodomain helicase DNA binding protein 7; plus strand). Cytogenetic location: 8q12.2.
Variant type: single nucleotide variant.
Coding change: c.216T>A on transcript NM_017780.4 (MANE Select); coding-DNA position 216, T replaced by A.
Protein change: p.Tyr72Ter; replaces tyrosine 72 with a stop codon.
Molecular consequence: nonsense.
Genome position (GRCh38, 1-based): chr8:60,741,648, T>A. VCF-style: chr8-60741648-T-A. GRCh37 (hg19) VCF-style: chr8-61654207-T-A.
Other names: c.216T>A, p.Tyr72Ter (NM_001316690.1); short protein forms Y72*.
Identifiers: ClinVar variation 3336623 (VCV003336623.2).

ClinVar aggregate classification (germline): Pathogenic (1 of 4 stars; one submission).

Conditions:
CHARGE syndrome (CHARGE). Also called: Hittner Hirsch Kreh syndrome; CHARGE ASSOCIATION--COLOBOMA, HEART ANOMALY, CHOANAL ATRESIA, RETARDATION, GENITAL AND EAR ANOMALIES; Coloboma, heart anomaly, choanal atresia, retardation, genital and ear anomalies; CHARGE association; Hall-Hittner syndrome. Identifiers: Orphanet 138, MedGen C0265354, MONDO:0008965.

Submission:

Labcorp Genetics (formerly Invitae), Labcorp
Classification: Pathogenic for CHARGE syndrome. Last evaluated: 2025-02-04. Review status: criteria provided, single submitter. Criteria: Invitae Variant Classification Sherloc (09022015). Collection method: clinical testing. Allele origin: germline.
Comment: This sequence change creates a premature translational stop signal (p.Tyr72*) in the CHD7 gene. It is expected to result in an absent or disrupted protein product. Loss-of-function variants in CHD7 are known to be pathogenic (PMID: 22461308, 25077900). This variant is not present in population databases (gnomAD no frequency). This variant has not been reported in the literature in individuals affected with CHD7-related conditions. ClinVar contains an entry for this variant (Variation ID: 3336623). For these reasons, this variant has been classified as Pathogenic.

Literature cited by the submitters: PubMed 22461308; PubMed 25077900.